The following is an entry in ClinVar:

NM_001035.3(RYR2):c.6510T>C (p.Thr2170=)

Gene: RYR2 (ryanodine receptor 2; plus strand). Cytogenetic location: 1q43.
Variant type: single nucleotide variant.
Coding change: c.6510T>C on transcript NM_001035.3 (MANE Select); coding-DNA position 6510, T replaced by C.
Protein change: p.Thr2170=; no amino-acid change (threonine 2170 retained).
Molecular consequence: synonymous variant.
Genome position (GRCh38, 1-based): chr1:237,631,496, T>C. VCF-style: chr1-237631496-T-C. GRCh37 (hg19) VCF-style: chr1-237794796-T-C.
Other names: c.6510T>C (NM_001035.2).
Identifiers: ClinVar variation 925823 (VCV000925823.53), dbSNP rs901453964, ClinGen allele CA39841978.
Genomic context (GRCh38, chr1:237,631,496, plus strand): 5'-GAATAACAAAGTGTTTTACCAGCACCCTAATCTCATGAGGGCACTGGGGATGCACGAGAC[T>C]GTGATGGAGGTCATGGTGAACGTCCTTGGAGGTGGAGAGTCCAAGGTAACGTCTTTGATT-3'
Protein context (NP_001026.2, residues 2160-2180): NLMRALGMHE[Thr2170=]VMEVMVNVLG

ClinVar aggregate classification (germline): Likely benign. Review status: criteria provided, multiple submitters, no conflicts (2 of 4 stars). 5 submissions from 5 submitters: Likely benign (5). Last evaluated 2024-11-13.

Conditions:
Catecholaminergic polymorphic ventricular tachycardia (CVPT). Also called: Catecholamine-induced polymorphic ventricular tachycardia. Identifiers: Orphanet 3286, MedGen C5574922, MONDO:0017990.
Cardiomyopathy (CMYO). Also called: Cardiomyopathies. Identifiers: Orphanet 167848, MedGen C0878544, MONDO:0004994, HP:0001638. Inheritance: Various modes of inheritance.
Cardiovascular phenotype. Identifiers: MedGen CN230736.
Catecholaminergic polymorphic ventricular tachycardia 1. Also called: RYR2-Related Catecholaminergic Polymorphic Ventricular Tachycardia; VENTRICULAR TACHYCARDIA, STRESS-INDUCED POLYMORPHIC 1; VENTRICULAR TACHYCARDIA, CATECHOLAMINERGIC POLYMORPHIC, 1, WITH OR WITHOUT ATRIAL DYSFUNCTION AND/OR DILATED CARDIOMYOPATHY. Identifiers: Orphanet 3286, MedGen C1631597, MONDO:0011484, OMIM 604772.

Allele frequency attached by ClinVar (database versions not stated): gnomAD exomes 0.00001.
gnomAD v4.1: 4 of 1,613,564 alleles (0.00025%); highest among the groups gnomAD compares: Non-Finnish European, 0.00025%; no homozygotes.

Submissions (5):

Labcorp Genetics (formerly Invitae), Labcorp
Classification: Likely benign for Catecholaminergic polymorphic ventricular tachycardia 1. Last evaluated: 2024-11-13. Review status: criteria provided, single submitter. Criteria: Invitae Variant Classification Sherloc (09022015). Collection method: clinical testing. Allele origin: germline.

All of Us Research Program, National Institutes of Health
Classification: Likely benign for Catecholaminergic polymorphic ventricular tachycardia. Last evaluated: 2023-11-20. Review status: criteria provided, single submitter. Criteria: ACMG Guidelines, 2015. Collection method: clinical testing. Allele origin: germline. Inheritance: Autosomal dominant inheritance. Observed: 1 variant allele, 1 heterozygote.
Comment: This study involves interpretation of variants in research participants for the purpose of population health screening. Participant phenotype was not available at the time of variant classification. Additional details can be found in publication PMID: 35346344, PMCID: PMC8962531

Ambry Genetics
Classification: Likely benign for Cardiovascular phenotype. Last evaluated: 2023-09-06. Review status: criteria provided, single submitter. Criteria: Ambry Variant Classification Scheme 2023. Collection method: clinical testing. Allele origin: germline.

Blueprint Genetics
Classification: Likely benign. Last evaluated: 2021-07-14. Review status: criteria provided, single submitter. Criteria: ACMG Guidelines, 2015. Collection method: clinical testing. Allele origin: germline.

Color Diagnostics, LLC DBA Color Health
Classification: Likely benign for Cardiomyopathy. Last evaluated: 2019-06-03. Review status: criteria provided, single submitter. Criteria: ACMG Guidelines, 2015. Collection method: clinical testing. Allele origin: germline.